The following is an entry in ClinVar:

NM_014956.5(CEP164):c.4218C>T (p.Ser1406=)

Gene: CEP164 (centrosomal protein 164; plus strand). Cytogenetic location: 11q23.3.
Variant type: single nucleotide variant.
Coding change: c.4218C>T on transcript NM_014956.5 (MANE Select); coding-DNA position 4218, C replaced by T.
Protein change: p.Ser1406=; no amino-acid change (serine 1406 retained).
Molecular consequence: synonymous variant.
Genome position (GRCh38, 1-based): chr11:117,411,849, C>T. VCF-style: chr11-117411849-C-T. GRCh37 (hg19) VCF-style: chr11-117282565-C-T.
Other names: c.4203C>T, p.Ser1401= (NM_001271933.2).
Identifiers: ClinVar variation 738263 (VCV000738263.4), dbSNP rs1592531756, ClinGen allele CA476899663.

ClinVar aggregate classification (germline): Likely benign. Review status: criteria provided, multiple submitters, no conflicts (2 of 4 stars). 2 submissions from 2 submitters: Likely benign (2). Last evaluated 2025-04-24.

Conditions:
CEP164-related disorder. Also called: CEP164-related condition.

Submissions (2):

PreventionGenetics, part of Exact Sciences
Classification: Likely benign for CEP164-related condition. Last evaluated: 2025-04-24. Review status: criteria provided, single submitter. Criteria: ACMG Guidelines, 2015. Collection method: clinical testing. Allele origin: germline.
Comment: This variant is classified as likely benign based on ACMG/AMP sequence variant interpretation guidelines (Richards et al. 2015 PMID: 25741868, with internal and published modifications).

Labcorp Genetics (formerly Invitae), Labcorp
Classification: Likely benign. Last evaluated: 2018-03-29. Review status: criteria provided, single submitter. Criteria: Invitae Variant Classification Sherloc (09022015). Collection method: clinical testing. Allele origin: germline.